The following is an entry in ClinVar:

NM_001011548.1(MAGEA4):c.767A>T (p.Tyr256Phe)

Gene: MAGEA4 (MAGE family member A4; plus strand). Cytogenetic location: Xq28.
Variant type: single nucleotide variant.
Coding change: c.767A>T on transcript NM_001011548.1 (MANE Select); coding-DNA position 767, A replaced by T.
Protein change: p.Tyr256Phe; replaces tyrosine 256 with phenylalanine.
Molecular consequence: missense variant.
Genome position (GRCh38, 1-based): chrX:151,924,431, A>T. VCF-style: chrX-151924431-A-T. GRCh37 (hg19) VCF-style: chrX-151092903-A-T.
Other names: c.767A>T, p.Tyr256Phe (NM_001011549.1, NM_001011550.1, NM_001386196.1 and 7 more transcripts); short protein forms Y256F.
Identifiers: ClinVar variation 4859459 (VCV004859459.1).

ClinVar aggregate classification (germline): Uncertain significance (1 of 4 stars; one submission).

gnomAD v4.1: 1 of 1,211,234 alleles (0.000083%); highest among the groups gnomAD compares: Admixed American, 0.0022%; no homozygotes.

Submission:

Ambry Genetics
Classification: Uncertain significance. Last evaluated: 2026-05-10. Review status: criteria provided, single submitter. Criteria: Ambry Variant Classification Scheme 2023. Collection method: clinical testing. Allele origin: germline.
Comment: The c.767A>T (p.Y256F) alteration is located in exon 3 (coding exon 1) of the MAGEA4 gene. This alteration results from a A to T substitution at nucleotide position 767, causing the tyrosine (Y) at amino acid position 256 to be replaced by a phenylalanine (F). Based on data from gnomAD, the T allele has an overall frequency of <0.001% (1/182111) total alleles studied. The highest observed frequency was 0.004% (1/27376) of Latino alleles. Based on insufficient or conflicting evidence, the clinical significance of this alteration remains unclear.